The following is an entry in ClinVar:

ClinVar aggregate classification (germline): Conflicting classifications of pathogenicity. Review status: criteria provided, conflicting classifications (1 of 4 stars). 4 submissions from 4 submitters: Uncertain significance (3); Likely benign (1). Last evaluated 2025-12-01.

Conditions:
Ectopia lentis 1, isolated, autosomal dominant (ECTOL1). Identifiers: Orphanet 1885, MedGen C3541518, MONDO:0007514, OMIM 129600.
Stiff skin syndrome (SSKS). Identifiers: Orphanet 2833, MedGen C1861456, MONDO:0008492, OMIM 184900.
MASS syndrome (OCTD). Also called: MASS PHENOTYPE; OVERLAP CONNECTIVE TISSUE DISEASE. Identifiers: MedGen C1858556, MONDO:0011431, OMIM 604308.
Acromicric dysplasia (ACMICD). Also called: Acromicric skeletal dysplasia. Identifiers: Orphanet 969, MedGen C0265287, MONDO:0007055, OMIM 102370.
Marfan syndrome (MFS). Also called: Marfan syndrome type 1; Marfan's syndrome; FBN1-Related Marfan Syndrome; MARFAN SYNDROME, TYPE I; Marfan syndrome, classic. Identifiers: Orphanet 284963, Orphanet 558, MedGen C0024796, MONDO:0007947, OMIM 154700.
Weill-Marchesani syndrome 2, dominant. Also called: Weill-Marchesani Syndrome, Autosomal Dominant; FBN1-Related Weill-Marchesani Syndrome. Identifiers: Orphanet 2084, MedGen C1869115, MONDO:0012013, OMIM 608328.
Geleophysic dysplasia 2 (GPHYSD2). Identifiers: Orphanet 2623, MedGen C3280054, MONDO:0013612, OMIM 614185.
Progeroid and marfanoid aspect-lipodystrophy syndrome. Also called: MARFANOID-PROGEROID SYNDROME; MARFAN-PROGEROID-LIPODYSTROPHY SYNDROME; Marfan lipodystrophy syndrome; MARFANOID-PROGEROID-LIPODYSTROPHY SYNDROME. Identifiers: Orphanet 300382, MedGen C4310796, MONDO:0014831, OMIM 616914.
Familial thoracic aortic aneurysm and aortic dissection (TAAD). Also called: Thoracic aortic aneurysms and dissections. Identifiers: Orphanet 91387, MedGen C4707243, MONDO:0019625.

Allele frequency attached by ClinVar (database versions not stated): gnomAD 0.00001; ExAC 0.00002; gnomAD exomes 0.00002; 1000 Genomes Project 30x 0.00016; 1000 Genomes Project 0.00020.
gnomAD v4.1: 9 of 1,613,978 alleles (0.00056%); highest among the groups gnomAD compares: Admixed American, 0.0017%; no homozygotes.

Submissions (4):

CeGaT Center for Human Genetics Tuebingen
Classification: Likely benign. Last evaluated: 2025-12-01. Review status: criteria provided, single submitter. Criteria: CeGaT Center For Human Genetics Tuebingen Variant Classification Criteria Version 2. Collection method: clinical testing. Allele origin: germline. Affected: yes. Observed: 1 variant allele.
Comment: FBN1: PM5, BS2

Labcorp Genetics (formerly Invitae), Labcorp
Classification: Uncertain significance for Marfan syndrome; Familial thoracic aortic aneurysm and aortic dissection. Last evaluated: 2025-02-24. Review status: criteria provided, single submitter. Criteria: Invitae Variant Classification Sherloc (09022015). Collection method: clinical testing. Allele origin: germline.
Comment: This sequence change replaces arginine, which is basic and polar, with histidine, which is basic and polar, at codon 2576 of the FBN1 protein (p.Arg2576His). This variant is present in population databases (rs369888822, gnomAD 0.003%). This missense change has been observed in individual(s) with clinical features of thoracic aortic aneurysm and dissection (internal data). ClinVar contains an entry for this variant (Variation ID: 927828). Invitae Evidence Modeling of protein sequence and biophysical properties (such as structural, functional, and spatial information, amino acid conservation, physicochemical variation, residue mobility, and thermodynamic stability) indicates that this missense variant is expected to disrupt FBN1 protein function with a positive predictive value of 95%. In summary, the available evidence is currently insufficient to determine the role of this variant in disease. Therefore, it has been classified as a Variant of Uncertain Significance.

Color Diagnostics, LLC DBA Color Health
Classification: Uncertain significance for Familial thoracic aortic aneurysm and aortic dissection. Last evaluated: 2024-12-10. Review status: criteria provided, single submitter. Criteria: ACMG Guidelines, 2015. Collection method: clinical testing. Allele origin: germline.
Comment: This missense variant replaces arginine with histidine at codon 2576 of the FBN1 protein. Computational prediction tool is inconclusive regarding the impact of this variant on protein structure and function. To our knowledge, functional studies have not been reported for this variant. This variant has not been reported in individuals affected with FBN1-related disorders in the literature. This variant has been identified in 4/250766 chromosomes in the general population by the Genome Aggregation Database (gnomAD). The available evidence is insufficient to determine the role of this variant in disease conclusively. Therefore, this variant is classified as a Variant of Uncertain Significance.

Fulgent Genetics
Classification: Uncertain significance for Acromicric dysplasia; Ectopia lentis 1, isolated, autosomal dominant; Marfan syndrome; Stiff skin syndrome; MASS syndrome; Weill-Marchesani syndrome 2, dominant; Geleophysic dysplasia 2; Progeroid and marfanoid aspect-lipodystrophy syndrome. Last evaluated: 2021-09-12. Review status: criteria provided, single submitter. Criteria: ACMG Guidelines, 2015. Collection method: clinical testing. Allele origin: unknown.

NM_000138.5(FBN1):c.7727G>A (p.Arg2576His)

Gene: FBN1 (fibrillin 1; minus strand). Cytogenetic location: 15q21.1.
Variant type: single nucleotide variant.
Coding change: c.7727G>A on transcript NM_000138.5 (MANE Select); coding-DNA position 7727, G replaced by A.
Protein change: p.Arg2576His; replaces arginine 2576 with histidine.
Molecular consequence: missense variant.
Genome position (GRCh38, 1-based): chr15:48,420,779, C>T on the plus strand (G>A on the coding strand, the complement: FBN1 is on the minus strand). VCF-style: chr15-48420779-C-T. GRCh37 (hg19) VCF-style: chr15-48712976-C-T.
Other names: short protein forms R2576H.
Identifiers: ClinVar variation 927828 (VCV000927828.13), dbSNP rs369888822, ClinGen allele CA059118.